The following is an entry in ClinVar:

NM_002439.5(MSH3):c.1702A>G (p.Lys568Glu)

Gene: MSH3 (mutS homolog 3; plus strand). Cytogenetic location: 5q14.1.
Variant type: single nucleotide variant.
Coding change: c.1702A>G on transcript NM_002439.5 (MANE Select); coding-DNA position 1702, A replaced by G.
Protein change: p.Lys568Glu; replaces lysine 568 with glutamic acid.
Molecular consequence: missense variant.
Genome position (GRCh38, 1-based): chr5:80,744,554, A>G. VCF-style: chr5-80744554-A-G. GRCh37 (hg19) VCF-style: chr5-80040373-A-G.
Other names: c.1702A>G (NM_002439.3); short protein forms K568E.
Identifiers: ClinVar variation 1005802 (VCV001005802.9), dbSNP rs1042542951, ClinGen allele CA121301426.
Genomic context (GRCh38, chr5:80,744,554, plus strand): 5'-GGTCTTTCTTAGACTGATATGAAAACCAAAGGAAGTTTGCTGTGGGTTTTAGACCACACT[A>G]AAACTTCATTTGGGAGACGGAAGTTAAAGAAGTGGGTGACCCAGCCACTCCTTAAATTAA-3'
Protein context (NP_002430.3, residues 558-578): GSLLWVLDHT[Lys568Glu]TSFGRRKLKK

ClinVar aggregate classification (germline): Uncertain significance. Review status: criteria provided, multiple submitters, no conflicts (2 of 4 stars). 2 submissions from 2 submitters: Uncertain significance (2). Last evaluated 2025-07-20.

Conditions:
Hereditary cancer-predisposing syndrome. Also called: Hereditary neoplastic syndrome; Neoplastic Syndromes, Hereditary; Tumor predisposition; Hereditary Cancer Syndrome. Identifiers: Orphanet 140162, MedGen C0027672, MeSH D009386, MONDO:0015356.

Allele frequency attached by ClinVar (database versions not stated): gnomAD exomes below 0.00001.
gnomAD v4.1: 1 of 1,613,974 alleles (0.000062%); highest among the groups gnomAD compares: Non-Finnish European, 0.000085%; no homozygotes.

Submissions (2):

Labcorp Genetics (formerly Invitae), Labcorp
Classification: Uncertain significance. Last evaluated: 2025-07-20. Review status: criteria provided, single submitter. Criteria: Invitae Variant Classification Sherloc (09022015). Collection method: clinical testing. Allele origin: germline.
Comment: This sequence change replaces lysine, which is basic and polar, with glutamic acid, which is acidic and polar, at codon 568 of the MSH3 protein (p.Lys568Glu). This variant is not present in population databases (gnomAD no frequency). This variant has not been reported in the literature in individuals affected with MSH3-related conditions. ClinVar contains an entry for this variant (Variation ID: 1005802). An algorithm developed to predict the effect of missense changes on protein structure and function (PolyPhen-2) suggests that this variant is likely to be tolerated. In summary, the available evidence is currently insufficient to determine the role of this variant in disease. Therefore, it has been classified as a Variant of Uncertain Significance.

Ambry Genetics
Classification: Uncertain significance for Hereditary cancer-predisposing syndrome. Last evaluated: 2024-07-08. Review status: criteria provided, single submitter. Criteria: Ambry Variant Classification Scheme 2023. Collection method: clinical testing. Allele origin: germline.
Comment: The p.K568E variant (also known as c.1702A>G), located in coding exon 12 of the MSH3 gene, results from an A to G substitution at nucleotide position 1702. The lysine at codon 568 is replaced by glutamic acid, an amino acid with similar properties. This amino acid position is conserved. In addition, the in silico prediction for this alteration is inconclusive. Based on the available evidence, the clinical significance of this variant remains unclear.